The following is an entry in ClinVar:

NM_012092.4(ICOS):c.71G>T (p.Gly24Val)

Gene: ICOS (inducible T cell costimulator; plus strand). Cytogenetic location: 2q33.2.
Variant type: single nucleotide variant.
Coding change: c.71G>T on transcript NM_012092.4 (MANE Select); coding-DNA position 71, G replaced by T.
Protein change: p.Gly24Val; replaces glycine 24 with valine.
Molecular consequence: missense variant.
Genome position (GRCh38, 1-based): chr2:203,955,648, G>T. VCF-style: chr2-203955648-G-T. GRCh37 (hg19) VCF-style: chr2-204820371-G-T.
Other names: short protein forms G24V.
Identifiers: ClinVar variation 949085 (VCV000949085.8), dbSNP rs774325808, ClinGen allele CA2067216.

ClinVar aggregate classification (germline): Uncertain significance. Review status: criteria provided, multiple submitters, no conflicts (2 of 4 stars). 2 submissions from 2 submitters: Uncertain significance (2). Last evaluated 2025-12-15.

Conditions:
Immunodeficiency, common variable, 1. Also called: ANTIBODY DEFICIENCY DUE TO ICOS DEFECT. Identifiers: Orphanet 1572, Orphanet 695183, MedGen C3149378, MONDO:0011864, OMIM 607594.
Inborn genetic diseases. Identifiers: MedGen C0950123, MeSH D030342.

Allele frequency attached by ClinVar (database versions not stated): ExAC 0.00001; gnomAD 0.00001; gnomAD exomes 0.00001 and 0.00002; TOPMed 0.00002.
gnomAD v4.1: 29 of 1,611,630 alleles (0.0018%); highest among the groups gnomAD compares: Non-Finnish European, 0.0025%; no homozygotes.

Submissions (2):

Ambry Genetics
Classification: Uncertain significance for Inborn genetic diseases. Last evaluated: 2025-12-15. Review status: criteria provided, single submitter. Criteria: Ambry Variant Classification Scheme 2023. Collection method: clinical testing. Allele origin: germline.

Labcorp Genetics (formerly Invitae), Labcorp
Classification: Uncertain significance for Immunodeficiency, common variable, 1. Last evaluated: 2022-08-09. Review status: criteria provided, single submitter. Criteria: Invitae Variant Classification Sherloc (09022015). Collection method: clinical testing. Allele origin: germline.
Comment: This sequence change replaces glycine, which is neutral and non-polar, with valine, which is neutral and non-polar, at codon 24 of the ICOS protein (p.Gly24Val). This variant is present in population databases (rs774325808, gnomAD 0.003%). This variant has not been reported in the literature in individuals affected with ICOS-related conditions. ClinVar contains an entry for this variant (Variation ID: 949085). Algorithms developed to predict the effect of missense changes on protein structure and function (SIFT, PolyPhen-2, Align-GVGD) all suggest that this variant is likely to be tolerated. In summary, the available evidence is currently insufficient to determine the role of this variant in disease. Therefore, it has been classified as a Variant of Uncertain Significance.